The following is an entry in ClinVar:

ClinVar aggregate classification (germline): Uncertain significance (1 of 4 stars; one submission).

Conditions:
Combined immunodeficiency due to STIM1 deficiency. Also called: IMMUNODEFICIENCY 10; STIM1 DEFICIENCY. Identifiers: Orphanet 169090, Orphanet 317430, MedGen C2748557, MONDO:0013008, OMIM 612783.
Stormorken syndrome (STRMK). Also called: THROMBOCYTOPATHY, ASPLENIA, AND MIOSIS. Identifiers: Orphanet 3204, MedGen C1861451, MONDO:0008497, OMIM 185070.
Myopathy with tubular aggregates (TAM). Also called: Tubular Aggregate Myopathy. Identifiers: Orphanet 2593, MedGen C0410207, MONDO:0008051.

Submission:

Labcorp Genetics (formerly Invitae), Labcorp
Classification: Uncertain significance for Myopathy with tubular aggregates; Combined immunodeficiency due to STIM1 deficiency; Stormorken syndrome. Last evaluated: 2021-02-25. Review status: criteria provided, single submitter. Criteria: Invitae Variant Classification Sherloc (09022015). Collection method: clinical testing. Allele origin: germline.
Comment: This variant is not present in population databases (ExAC no frequency). This sequence change replaces histidine with leucine at codon 617 of the STIM1 protein (p.His617Leu). The histidine residue is moderately conserved and there is a moderate physicochemical difference between histidine and leucine. This variant has not been reported in the literature in individuals with STIM1-related conditions. Algorithms developed to predict the effect of missense changes on protein structure and function are either unavailable or do not agree on the potential impact of this missense change (SIFT: "Tolerated"; PolyPhen-2: "Probably Damaging"; Align-GVGD: "Class C0"). In summary, the available evidence is currently insufficient to determine the role of this variant in disease. Therefore, it has been classified as a Variant of Uncertain Significance.

NM_001382567.1(STIM1):c.1943A>T (p.His648Leu)

Genes: STIM1 (stromal interaction molecule 1; plus strand), LOC124418421 (Sharpr-MPRA regulatory region 9588; plus strand). Cytogenetic location: 11p15.4.
Variant type: single nucleotide variant.
Coding change: c.1943A>T on transcript NM_001382567.1 (MANE Select); coding-DNA position 1943, A replaced by T.
Protein change: p.His648Leu; replaces histidine 648 with leucine.
Molecular consequence: missense variant. On other transcripts: 3 prime UTR variant (4), non-coding transcript variant (3).
Genome position (GRCh38, 1-based): chr11:4,091,590, A>T. VCF-style: chr11-4091590-A-T. GRCh37 (hg19) VCF-style: chr11-4112820-A-T.
Other names: c.2168A>T, p.His723Leu (NM_001277961.3); c.*264A>T (NM_001277962.2, NM_001382578.1, NM_001382579.1 and 1 more transcripts); c.1946A>T, p.His649Leu (NM_001382566.1); c.1871A>T, p.His624Leu (NM_001382568.1); c.1715A>T, p.His572Leu (NM_001382569.1); c.1622A>T, p.His541Leu (NM_001382570.1); c.1370A>T, p.His457Leu (NM_001382571.1); c.1628A>T, p.His543Leu (NM_001382575.1, NM_001382576.1, NM_001382577.1); and 2 more; short protein forms H454L, H543L, H617L, H649L, H457L, H624L, H723L, H541L.
Identifiers: ClinVar variation 1469273 (VCV001469273.8), dbSNP rs2133265240, ClinGen allele CA379197641.